The following is an entry in ClinVar:

NM_021098.3(CACNA1H):c.3143_3145del (p.Leu1048del)

Gene: CACNA1H (calcium voltage-gated channel subunit alpha1 H; plus strand). Cytogenetic location: 16p13.3.
Variant type: Deletion.
Coding change: c.3143_3145del on transcript NM_021098.3 (MANE Select); coding-DNA positions 3143 to 3145, 3 bases deleted (TCC; older notation c.3143_3145delTCC).
Protein change: p.Leu1048del; deletes leucine 1048.
Molecular consequence: inframe deletion.
Genome position (GRCh38, 1-based): chr16:1,207,849-1,207,851, TCC deleted; deleting any 3 consecutive bases within chr16:1,207,848-1,207,851 gives the same sequence; the c. name uses the placement nearest the transcript's 3' end. VCF-style (leftmost placement, unchanged base first): chr16-1207847-ACTC-A. GRCh37 (hg19) VCF-style: chr16-1257847-ACTC-A.
Other names: c.3143_3145del, p.Leu1048del (NM_001005407.2); short protein forms L1048del.
Identifiers: ClinVar variation 529595 (VCV000529595.8), dbSNP rs1555514742, ClinGen allele CA658798456.

ClinVar aggregate classification (germline): Uncertain significance (1 of 4 stars; one submission).

Conditions:
Hyperaldosteronism, familial, type IV (HALD4). Also called: FH IV; ALDOSTERONISM, PRIMARY, AND HYPERTENSION. Identifiers: Orphanet 642671, MedGen C4310756, MONDO:0014875, OMIM 617027.
Idiopathic generalized epilepsy. Also called: Generalised epilepsy; EIG. Identifiers: MedGen C0270850, MONDO:0005579, OMIM 600669.

Submission:

Labcorp Genetics (formerly Invitae), Labcorp
Classification: Uncertain significance for Idiopathic generalized epilepsy; Hyperaldosteronism, familial, type IV. Last evaluated: 2020-04-24. Review status: criteria provided, single submitter. Criteria: Invitae Variant Classification Sherloc (09022015). Collection method: clinical testing. Allele origin: germline.
Comment: In summary, the available evidence is currently insufficient to determine the role of this variant in disease. Therefore, it has been classified as a Variant of Uncertain Significance. Experimental studies and prediction algorithms are not available for this variant, and the functional significance of the deleted amino acid is currently unknown. This variant has not been reported in the literature in individuals with CACNA1H-related disease. This variant is not present in population databases (ExAC no frequency). This variant, c.3143_3145delTCC, results in the deletion of 1 amino acid of the CACNA1H protein (p.Leu1048del), but otherwise preserves the integrity of the reading frame.